The following is an entry in ClinVar:

NM_024675.4(PALB2):c.1756G>T (p.Asp586Tyr)

Gene: PALB2 (partner and localizer of BRCA2; minus strand). Cytogenetic location: 16p12.2.
Variant type: single nucleotide variant.
Coding change: c.1756G>T on transcript NM_024675.4 (MANE Select); coding-DNA position 1756, G replaced by T.
Protein change: p.Asp586Tyr; replaces aspartic acid 586 with tyrosine.
Molecular consequence: missense variant.
Genome position (GRCh38, 1-based): chr16:23,630,398, C>A on the plus strand (G>T on the coding strand, the complement: PALB2 is on the minus strand). VCF-style: chr16-23630398-C-A. GRCh37 (hg19) VCF-style: chr16-23641719-C-A.
Other names: c.1756G>T (NM_024675.3); short protein forms D586Y.
Identifiers: ClinVar variation 1515544 (VCV001515544.10), dbSNP rs587781954, ClinGen allele CA395128234.

ClinVar aggregate classification (germline): Uncertain significance. Review status: criteria provided, multiple submitters, no conflicts (2 of 4 stars). 2 submissions from 2 submitters: Uncertain significance (2). Last evaluated 2026-07-02.

Conditions:
Familial cancer of breast. Also called: Hereditary breast cancer; BREAST CANCER, FAMILIAL; hereditary breast carcinoma. Identifiers: Orphanet 227535, MedGen C0346153, MONDO:0016419, OMIM 114480. Disease mechanism: loss of function.
Hereditary cancer-predisposing syndrome. Also called: Hereditary Cancer Syndrome; Tumor predisposition; Neoplastic Syndromes, Hereditary; Hereditary neoplastic syndrome. Identifiers: Orphanet 140162, MedGen C0027672, MeSH D009386, MONDO:0015356.

gnomAD v4.1: 1 of 1,613,972 alleles (0.000062%); highest among the groups gnomAD compares: African/African-American, 0.0013%; no homozygotes.

Submissions (2):

Ambry Genetics
Classification: Uncertain significance for Hereditary cancer-predisposing syndrome. Last evaluated: 2026-07-02. Review status: criteria provided, single submitter. Criteria: Ambry Variant Classification Scheme 2023. Collection method: clinical testing. Allele origin: germline.
Comment: The p.D586Y variant (also known as c.1756G>T), located in coding exon 5 of the PALB2 gene, results from a G to T substitution at nucleotide position 1756. The aspartic acid at codon 586 is replaced by tyrosine, an amino acid with highly dissimilar properties. This amino acid position is conserved. In addition, this alteration is predicted to be tolerated by in silico analysis. Based on the available evidence, the clinical significance of this variant remains unclear.

Labcorp Genetics (formerly Invitae), Labcorp
Classification: Uncertain significance for Familial cancer of breast. Last evaluated: 2025-11-02. Review status: criteria provided, single submitter. Criteria: Invitae Variant Classification Sherloc (09022015). Collection method: clinical testing. Allele origin: germline.
Comment: This sequence change replaces aspartic acid, which is acidic and polar, with tyrosine, which is neutral and polar, at codon 586 of the PALB2 protein (p.Asp586Tyr). This variant is not present in population databases (gnomAD no frequency). This variant has not been reported in the literature in individuals affected with PALB2-related conditions. ClinVar contains an entry for this variant (Variation ID: 1515544). Invitae Evidence Modeling of protein sequence and biophysical properties (such as structural, functional, and spatial information, amino acid conservation, physicochemical variation, residue mobility, and thermodynamic stability) indicates that this missense variant is expected to disrupt PALB2 protein function with a positive predictive value of 80%. In summary, the available evidence is currently insufficient to determine the role of this variant in disease. Therefore, it has been classified as a Variant of Uncertain Significance.